The following is an entry in ClinVar:

ClinVar aggregate classification (germline): Conflicting classifications of pathogenicity. Review status: criteria provided, conflicting classifications (1 of 4 stars). 2 submissions from 2 submitters: Uncertain significance (1); Likely benign (1). Last evaluated 2025-05-19.

Conditions:
Inborn genetic diseases. Identifiers: MedGen C0950123, MeSH D030342.

Allele frequency attached by ClinVar (database versions not stated): ExAC 0.00001; gnomAD exomes 0.00001.
gnomAD v4.1: 6 of 1,585,272 alleles (0.00038%); highest among the groups gnomAD compares: South Asian, 0.0056%; no homozygotes.

Submissions (2):

Labcorp Genetics (formerly Invitae), Labcorp
Classification: Uncertain significance. Last evaluated: 2025-05-19. Review status: criteria provided, single submitter. Criteria: Invitae Variant Classification Sherloc (09022015). Collection method: clinical testing. Allele origin: germline.
Comment: This sequence change replaces methionine, which is neutral and non-polar, with threonine, which is neutral and polar, at codon 93 of the AFG3L2 protein (p.Met93Thr). This variant is present in population databases (rs768178649, gnomAD 0.003%). This variant has not been reported in the literature in individuals affected with AFG3L2-related conditions. ClinVar contains an entry for this variant (Variation ID: 3093110). Invitae Evidence Modeling of protein sequence and biophysical properties (such as structural, functional, and spatial information, amino acid conservation, physicochemical variation, residue mobility, and thermodynamic stability) indicates that this missense variant is not expected to disrupt AFG3L2 protein function with a negative predictive value of 95%. In summary, the available evidence is currently insufficient to determine the role of this variant in disease. Therefore, it has been classified as a Variant of Uncertain Significance.

Ambry Genetics
Classification: Likely benign for Inborn genetic diseases. Last evaluated: 2024-03-07. Review status: criteria provided, single submitter. Criteria: Ambry Variant Classification Scheme 2023. Collection method: clinical testing. Allele origin: germline.

NM_006796.3(AFG3L2):c.278T>C (p.Met93Thr)

Gene: AFG3L2 (AFG3 like matrix AAA peptidase subunit 2; minus strand). Cytogenetic location: 18p11.21.
Variant type: single nucleotide variant.
Coding change: c.278T>C on transcript NM_006796.3 (MANE Select); coding-DNA position 278, T replaced by C.
Protein change: p.Met93Thr; replaces methionine 93 with threonine.
Molecular consequence: missense variant.
Genome position (GRCh38, 1-based): chr18:12,370,863, A>G on the plus strand (T>C on the coding strand, the complement: AFG3L2 is on the minus strand). VCF-style: chr18-12370863-A-G. GRCh37 (hg19) VCF-style: chr18-12370862-A-G.
Other names: short protein forms M93T.
Identifiers: ClinVar variation 3093110 (VCV003093110.2), dbSNP rs768178649, ClinGen allele CA8896795.